The following is an entry in ClinVar:

ClinVar aggregate classification (germline): Uncertain significance (1 of 4 stars; one submission).

Allele frequency attached by ClinVar (database versions not stated): TOPMed below 0.00001; ExAC 0.00001.
gnomAD v4.1: 1 of 1,613,800 alleles (0.000062%); highest among the groups gnomAD compares: Non-Finnish European, 0.000085%; no homozygotes.

Submission:

Labcorp Genetics (formerly Invitae), Labcorp
Classification: Uncertain significance. Last evaluated: 2023-10-07. Review status: criteria provided, single submitter. Criteria: Invitae Variant Classification Sherloc (09022015). Collection method: clinical testing. Allele origin: germline.
Comment: This sequence change replaces asparagine, which is neutral and polar, with serine, which is neutral and polar, at codon 227 of the MICAL1 protein (p.Asn227Ser). This variant is present in population databases (rs749051271, gnomAD 0.0009%). This variant has not been reported in the literature in individuals affected with MICAL1-related conditions. Algorithms developed to predict the effect of missense changes on protein structure and function output the following: SIFT: "Not Available"; PolyPhen-2: "Benign"; Align-GVGD: "Not Available". The serine amino acid residue is found in multiple mammalian species, which suggests that this missense change does not adversely affect protein function. In summary, the available evidence is currently insufficient to determine the role of this variant in disease. Therefore, it has been classified as a Variant of Uncertain Significance.

NM_022765.4(MICAL1):c.623A>G (p.Asn208Ser)

Gene: MICAL1 (microtubule associated monooxygenase, calponin and LIM domain containing 1; minus strand). Cytogenetic location: 6q21.
Variant type: single nucleotide variant.
Coding change: c.623A>G on transcript NM_022765.4 (MANE Select); coding-DNA position 623, A replaced by G.
Protein change: p.Asn208Ser; replaces asparagine 208 with serine.
Molecular consequence: missense variant.
Genome position (GRCh38, 1-based): chr6:109,452,564, T>C on the plus strand (A>G on the coding strand, the complement: MICAL1 is on the minus strand). VCF-style: chr6-109452564-T-C. GRCh37 (hg19) VCF-style: chr6-109773767-T-C.
Other names: c.623A>G, p.Asn208Ser (NM_001159291.2); c.680A>G, p.Asn227Ser (NM_001286613.2); short protein forms N208S, N227S.
Identifiers: ClinVar variation 3006657 (VCV003006657.3), dbSNP rs749051271, ClinGen allele CA3953694.